The following is an entry in ClinVar:

ClinVar aggregate classification (germline): Conflicting classifications of pathogenicity. Review status: criteria provided, conflicting classifications (1 of 4 stars). 2 submissions from 2 submitters: Likely pathogenic (1); Uncertain significance (1). Last evaluated 2022-08-18.

Allele frequency attached by ClinVar (database versions not stated): TOPMed below 0.00001; gnomAD exomes 0.00001.
gnomAD v4.1: 10 of 1,614,170 alleles (0.00062%); highest among the groups gnomAD compares: Non-Finnish European, 0.00085%; no homozygotes.

Submissions (2):

GeneDx
Classification: Likely pathogenic. Last evaluated: 2022-08-18. Review status: criteria provided, single submitter. Criteria: GeneDx Variant Classification Process June 2021. Collection method: clinical testing. Allele origin: germline. Affected: yes.
Comment: Not observed at significant frequency in large population cohorts (gnomAD); In silico analysis supports that this missense variant has a deleterious effect on protein structure/function; Has not been previously published as pathogenic or benign to our knowledge

Labcorp Genetics (formerly Invitae), Labcorp
Classification: Uncertain significance. Last evaluated: 2022-02-09. Review status: criteria provided, single submitter. Criteria: Invitae Variant Classification Sherloc (09022015). Collection method: clinical testing. Allele origin: germline.
Comment: This variant is not present in population databases (gnomAD no frequency). This variant has not been reported in the literature in individuals affected with DDX58-related conditions. ClinVar contains an entry for this variant (Variation ID: 422399). Algorithms developed to predict the effect of missense changes on protein structure and function are either unavailable or do not agree on the potential impact of this missense change (SIFT: "Deleterious"; PolyPhen-2: "Probably Damaging"; Align-GVGD: "Class C0"). In summary, the available evidence is currently insufficient to determine the role of this variant in disease. Therefore, it has been classified as a Variant of Uncertain Significance. This sequence change replaces isoleucine, which is neutral and non-polar, with threonine, which is neutral and polar, at codon 887 of the DDX58 protein (p.Ile887Thr).

NM_014314.4(RIGI):c.2660T>C (p.Ile887Thr)

Gene: RIGI (RNA sensor RIG-I; minus strand). Cytogenetic location: 9p21.1.
Variant type: single nucleotide variant.
Coding change: c.2660T>C on transcript NM_014314.4 (MANE Select); coding-DNA position 2660, T replaced by C.
Protein change: p.Ile887Thr; replaces isoleucine 887 with threonine.
Molecular consequence: missense variant.
Genome position (GRCh38, 1-based): chr9:32,457,240, A>G on the plus strand (T>C on the coding strand, the complement: RIGI is on the minus strand). VCF-style: chr9-32457240-A-G. GRCh37 (hg19) VCF-style: chr9-32457238-A-G.
Other names: short protein forms I887T.
Identifiers: ClinVar variation 422399 (VCV000422399.9), dbSNP rs1064795754, ClinGen allele CA16618846.